The following is an entry in ClinVar:

ClinVar aggregate classification (germline): Uncertain significance. Review status: criteria provided, multiple submitters, no conflicts (2 of 4 stars). 2 submissions from 2 submitters: Uncertain significance (2). Last evaluated 2024-03-25.

Conditions:
Peutz-Jeghers syndrome (PJS). Also called: POLYPOSIS, HAMARTOMATOUS INTESTINAL; POLYPS-AND-SPOTS SYNDROME; Peutz-Jeghers polyposis; Periorificial lentiginosis syndrome. Identifiers: Orphanet 2869, MedGen C0031269, MeSH D010580, MONDO:0008280, OMIM 175200.
Hereditary cancer-predisposing syndrome. Also called: Hereditary Cancer Syndrome; Hereditary neoplastic syndrome; Tumor predisposition; Neoplastic Syndromes, Hereditary. Identifiers: Orphanet 140162, MedGen C0027672, MeSH D009386, MONDO:0015356.

Submissions (2):

Ambry Genetics
Classification: Uncertain significance for Hereditary cancer-predisposing syndrome. Last evaluated: 2024-03-25. Review status: criteria provided, single submitter. Criteria: Ambry Variant Classification Scheme 2023. Collection method: clinical testing. Allele origin: germline.
Comment: The p.G187R variant (also known as c.559G>C), located in coding exon 4 of the STK11 gene, results from a G to C substitution at nucleotide position 559. The glycine at codon 187 is replaced by arginine, an amino acid with dissimilar properties. This amino acid position is not well conserved in available vertebrate species. In addition, this alteration is predicted to be tolerated by in silico analysis. Based on the available evidence, the clinical significance of this alteration remains unclear.

Labcorp Genetics (formerly Invitae), Labcorp
Classification: Uncertain significance for Peutz-Jeghers syndrome. Last evaluated: 2023-12-11. Review status: criteria provided, single submitter. Criteria: Invitae Variant Classification Sherloc (09022015). Collection method: clinical testing. Allele origin: germline.
Comment: This sequence change replaces glycine, which is neutral and non-polar, with arginine, which is basic and polar, at codon 187 of the STK11 protein (p.Gly187Arg). This variant is not present in population databases (gnomAD no frequency). This variant has not been reported in the literature in individuals affected with STK11-related conditions. ClinVar contains an entry for this variant (Variation ID: 458052). Advanced modeling of protein sequence and biophysical properties (such as structural, functional, and spatial information, amino acid conservation, physicochemical variation, residue mobility, and thermodynamic stability) performed at Invitae indicates that this missense variant is not expected to disrupt STK11 protein function with a negative predictive value of 95%. In summary, the available evidence is currently insufficient to determine the role of this variant in disease. Therefore, it has been classified as a Variant of Uncertain Significance.

NM_000455.5(STK11):c.559G>C (p.Gly187Arg)

Gene: STK11 (serine/threonine kinase 11; plus strand). Cytogenetic location: 19p13.3.
Variant type: single nucleotide variant.
Coding change: c.559G>C on transcript NM_000455.5 (MANE Select); coding-DNA position 559, G replaced by C.
Protein change: p.Gly187Arg; replaces glycine 187 with arginine.
Molecular consequence: missense variant.
Genome position (GRCh38, 1-based): chr19:1,220,467, G>C. VCF-style: chr19-1220467-G-C. GRCh37 (hg19) VCF-style: chr19-1220466-G-C.
Other names: short protein forms G187R.
Identifiers: ClinVar variation 458052 (VCV000458052.9), dbSNP rs587782032, ClinGen allele CA402949174.